The following is an entry in ClinVar:

ClinVar aggregate classification (germline): Uncertain significance (1 of 4 stars; one submission).

Submission:

Labcorp Genetics (formerly Invitae), Labcorp
Classification: Uncertain significance. Last evaluated: 2023-07-12. Review status: criteria provided, single submitter. Criteria: Invitae Variant Classification Sherloc (09022015). Collection method: clinical testing. Allele origin: germline.
Comment: This sequence change replaces glutamic acid, which is acidic and polar, with aspartic acid, which is acidic and polar, at codon 359 of the DMRT1 protein (p.Glu359Asp). This variant is not present in population databases (gnomAD no frequency). This variant has not been reported in the literature in individuals affected with DMRT1-related conditions. An algorithm developed to predict the effect of missense changes on protein structure and function (PolyPhen-2) suggests that this variant is likely to be tolerated. In summary, the available evidence is currently insufficient to determine the role of this variant in disease. Therefore, it has been classified as a Variant of Uncertain Significance.

NM_021951.3(DMRT1):c.1077G>T (p.Glu359Asp)

Gene: DMRT1 (doublesex and mab-3 related transcription factor 1; plus strand). Cytogenetic location: 9p24.3.
Variant type: single nucleotide variant.
Coding change: c.1077G>T on transcript NM_021951.3 (MANE Select); coding-DNA position 1077, G replaced by T.
Protein change: p.Glu359Asp; replaces glutamic acid 359 with aspartic acid.
Molecular consequence: missense variant.
Genome position (GRCh38, 1-based): chr9:968,094, G>T. VCF-style: chr9-968094-G-T. GRCh37 (hg19) VCF-style: chr9-968094-G-T.
Other names: c.603G>T, p.Glu201Asp (NM_001363767.1); short protein forms E201D, E359D.
Identifiers: ClinVar variation 2742249 (VCV002742249.3), dbSNP rs776888445, ClinGen allele CA372775573.